The following is an entry in ClinVar:

NM_005639.3(SYT1):c.174G>A (p.Pro58=)

Gene: SYT1 (synaptotagmin 1; plus strand). Cytogenetic location: 12q21.2.
Variant type: single nucleotide variant.
Coding change: c.174G>A on transcript NM_005639.3 (MANE Select); coding-DNA position 174, G replaced by A.
Protein change: p.Pro58=; no amino-acid change (proline 58 retained).
Molecular consequence: synonymous variant.
Genome position (GRCh38, 1-based): chr12:79,285,794, G>A. VCF-style: chr12-79285794-G-A. GRCh37 (hg19) VCF-style: chr12-79679574-G-A.
Other names: c.174G>A, p.Pro58= (NM_001135805.2, NM_001135806.2, NM_001291901.2 and 6 more transcripts).
Identifiers: ClinVar variation 3905409 (VCV003905409.10).
Genomic context (GRCh38, chr12:79,285,794, plus strand): 5'-GTTTTCCACATCTAAGTGTTGTATGACTAGTGCTCTCTGTGTGTTTCTTTCAGTGCCACC[G>A]TGGGCCTTAATTGCAATAGCCATAGTCGCAGTCCTTTTAGTCCTGACCTGCTGCTTTTGT-3'
Protein context (NP_005630.1, residues 48-68): MNELHKIPLP[Pro58=]WALIAIAIVA

ClinVar aggregate classification (germline): Likely benign (1 of 4 stars; one submission).

gnomAD v4.1: 38 of 1,603,946 alleles (0.0024%); highest among the groups gnomAD compares: East Asian, 0.009%; no homozygotes.

Submission:

CeGaT Center for Human Genetics Tuebingen
Classification: Likely benign. Last evaluated: 2025-05-01. Review status: criteria provided, single submitter. Criteria: CeGaT Center For Human Genetics Tuebingen Variant Classification Criteria Version 2. Collection method: clinical testing. Allele origin: germline. Affected: yes. Observed: 1 variant allele.
Comment: SYT1: BP4, BP7